The following is an entry in ClinVar:

ClinVar aggregate classification (germline): Conflicting classifications of pathogenicity. Review status: criteria provided, conflicting classifications (1 of 4 stars). 9 submissions from 9 submitters: Uncertain significance (2); Likely benign (5). 2 of the submissions do not count toward it. Last evaluated 2026-01-23.

Conditions:
Cardiovascular phenotype. Identifiers: MedGen CN230736.
MYH6-related disorder. Also called: MYH6-Related Disorders; MYH6-related condition.
Cardiomyopathy (CMYO). Also called: Cardiomyopathies. Identifiers: Orphanet 167848, MedGen C0878544, MONDO:0004994, HP:0001638. Inheritance: Various modes of inheritance.
Hypertrophic cardiomyopathy 14. Identifiers: MedGen C2750467, MONDO:0013197, OMIM 613251.
Primary familial hypertrophic cardiomyopathy (HCM). Identifiers: Orphanet 99739, MedGen C0949658, MeSH D024741, MONDO:0024573. Inheritance: Various modes of inheritance.
Hypertrophic cardiomyopathy. Also called: HYPERTROPHIC MYOCARDIOPATHY. Identifiers: Orphanet 217569, MedGen C0007194, MeSH D002312, MONDO:0005045, HP:0001639.

Allele frequency attached by ClinVar (database versions not stated): 1000 Genomes Project 30x 0.00047; 1000 Genomes Project 0.00060; TOPMed 0.00061; ESP Exome Variant Server 0.00069.
gnomAD v4.1: 198 of 1,614,066 alleles (0.012%); highest among the groups gnomAD compares: African/African-American, 0.19%; no homozygotes.

Submissions (9):

Women's Health and Genetics/Laboratory Corporation of America, LabCorp
Classification: Likely benign. Last evaluated: 2026-01-23. Review status: criteria provided, single submitter. Criteria: LabCorp Variant Classification Summary - May 2015. Collection method: clinical testing. Allele origin: germline.

Labcorp Genetics (formerly Invitae), Labcorp
Classification: Likely benign for Hypertrophic cardiomyopathy 14. Last evaluated: 2026-01-21. Review status: criteria provided, single submitter. Criteria: Invitae Variant Classification Sherloc (09022015). Collection method: clinical testing. Allele origin: germline.

GeneDx
Classification: Likely benign. Last evaluated: 2020-05-20. Review status: criteria provided, single submitter. Criteria: GeneDx Variant Classification Process June 2021. Collection method: clinical testing. Allele origin: germline. Affected: yes.

Center for Advanced Laboratory Medicine, UC San Diego Health, University of California San Diego
Classification: Likely benign for Cardiomyopathy. Last evaluated: 2018-04-23. Review status: criteria provided, single submitter. Criteria: ACMG Guidelines, 2015. Collection method: clinical testing. Allele origin: germline. Affected: yes. Observed: 1 variant allele.

Ambry Genetics
Classification: Likely benign for Cardiovascular phenotype. Last evaluated: 2018-04-09. Review status: criteria provided, single submitter. Criteria: Ambry Variant Classification Scheme 2023. Collection method: clinical testing. Allele origin: germline.

Molecular Diagnostic Laboratory for Inherited Cardiovascular Disease, Montreal Heart Institute
Classification: Uncertain significance for Primary familial hypertrophic cardiomyopathy. Last evaluated: 2017-03-21. Review status: criteria provided, single submitter. Criteria: ACMG Guidelines, 2015. Collection method: clinical testing. Allele origin: germline. Affected: yes.

Laboratory for Molecular Medicine, Mass General Brigham Personalized Medicine
Classification: Uncertain significance. Last evaluated: 2013-09-09. Review status: criteria provided, single submitter. Criteria: LMM Criteria. Collection method: clinical testing. Allele origin: germline. Observed: 1 variant allele.
Comment: Variant classified as Uncertain Significance - Favor Benign. The Arg1532Leu vari ant in MYH6 has not been reported in individuals with cardiomyopathy, but has be en identified in 0.2% (9/4406) of African American chromosomes by the NHLBI Exom e Sequencing Project (dbSNP rs34330111). Comp utational analyses (biochemical amino acid properties, conservation, AlignGVGD, PolyPhen2, and SIFT) do not provide strong support for or against an impact to t he protein. While the frequency of this variant suggests that it is more likely benign, it is too low to confidently rule out a disease-causing role. Additional information is needed to fully assess the clinical significance of this variant .

PreventionGenetics, part of Exact Sciences
Classification: Likely benign for MYH6-related condition. Last evaluated: 2020-04-13. Review status: no assertion criteria provided. Collection method: clinical testing. Allele origin: germline. Not counted in ClinVar's aggregate classification.
Comment: This variant is classified as likely benign based on ACMG/AMP sequence variant interpretation guidelines (Richards et al. 2015 PMID: 25741868, with internal and published modifications).

Zaffran Lab, Genetics of Cardiac Diseases Laboratory, Marseille Medical Genetics
Classification: Uncertain significance for hypertrophic cardiomyopathy. Review status: no assertion criteria provided. Collection method: research. Allele origin: unknown. Affected: yes. Not counted in ClinVar's aggregate classification.

NM_002471.4(MYH6):c.4595G>T (p.Arg1532Leu)

Gene: MYH6 (myosin heavy chain 6; minus strand). Cytogenetic location: 14q11.2.
Variant type: single nucleotide variant.
Coding change: c.4595G>T on transcript NM_002471.4 (MANE Select); coding-DNA position 4595, G replaced by T.
Protein change: p.Arg1532Leu; replaces arginine 1532 with leucine.
Molecular consequence: missense variant.
Genome position (GRCh38, 1-based): chr14:23,387,584, C>A on the plus strand (G>T on the coding strand, the complement: MYH6 is on the minus strand). VCF-style: chr14-23387584-C-A. GRCh37 (hg19) VCF-style: chr14-23856793-C-A.
Other names: short protein forms R1532L.
Identifiers: ClinVar variation 178066 (VCV000178066.27), dbSNP rs34330111, ClinGen allele CA181318.
Genomic context (GRCh38, chr14:23,387,584, plus strand): 5'-CTCACCTCTGCCTCCTCCAGGGCTGACTGCAGCTCCAGCTTCTCCACCTCCAGCTGTTTG[C>A]GGACCTTCTCCAGCTCATGCACATTCTTTCCTCCTTCTCCTAGCTGCTCAGTAAGGTCCG-3'
Protein context (NP_002462.2, residues 1522-1542): GKNVHELEKV[Arg1532Leu]KQLEVEKLEL